The following is an entry in ClinVar:

ClinVar aggregate classification (germline): Likely pathogenic. Review status: criteria provided, multiple submitters, no conflicts (2 of 4 stars). 2 submissions from 2 submitters: Likely pathogenic (2). Last evaluated 2024-06-14.

Conditions:
Joubert syndrome 8 (JBTS8). Identifiers: Orphanet 475, MedGen C2676771, MONDO:0012855, OMIM 612291.

Allele frequency attached by ClinVar (database versions not stated): gnomAD exomes below 0.00001.

Submissions (2):

Fulgent Genetics
Classification: Likely pathogenic for Joubert syndrome 8. Last evaluated: 2024-06-14. Review status: criteria provided, single submitter. Criteria: ACMG Guidelines, 2015. Collection method: clinical testing. Allele origin: germline.

Labcorp Genetics (formerly Invitae), Labcorp
Classification: Likely pathogenic for Joubert syndrome 8. Last evaluated: 2021-12-22. Review status: criteria provided, single submitter. Criteria: Invitae Variant Classification Sherloc (09022015). Collection method: clinical testing. Allele origin: germline.
Comment: This sequence change affects a donor splice site in intron 8 of the ARL13B gene. It is expected to disrupt RNA splicing. Variants that disrupt the donor or acceptor splice site typically lead to a loss of protein function (PMID: 16199547), and loss-of-function variants in ARL13B are known to be pathogenic (PMID: 18674751). This variant is not present in population databases (gnomAD no frequency). This variant has not been reported in the literature in individuals affected with ARL13B-related conditions. Algorithms developed to predict the effect of sequence changes on RNA splicing suggest that this variant may disrupt the consensus splice site. In summary, the currently available evidence indicates that the variant is pathogenic, but additional data are needed to prove that conclusively. Therefore, this variant has been classified as Likely Pathogenic.

Literature cited by the submitters: PubMed 16199547 (cited by Labcorp Genetics (formerly Invitae), Labcorp); PubMed 18674751 (cited by Labcorp Genetics (formerly Invitae), Labcorp).

NM_001174150.2(ARL13B):c.1141+1G>A

Gene: ARL13B (ARF like GTPase 13B; plus strand). Cytogenetic location: 3q11.2.
Variant type: single nucleotide variant.
Coding change: c.1141+1G>A on transcript NM_001174150.2 (MANE Select); the canonical splice donor site of the intron after coding-DNA position 1141, G replaced by A.
Molecular consequence: splice donor variant.
Genome position (GRCh38, 1-based): chr3:94,049,523, G>A. VCF-style: chr3-94049523-G-A. GRCh37 (hg19) VCF-style: chr3-93768367-G-A.
Other names: c.1096+1G>A (NM_001321328.2); c.1141+1G>A (NM_182896.3, NM_001410782.1); c.832+1G>A (NM_001174151.2); c.820+1G>A (NM_144996.4).
Identifiers: ClinVar variation 2053319 (VCV002053319.5), dbSNP rs2107192097, ClinGen allele CA353679582.